The following is an entry in ClinVar:

ClinVar aggregate classification (germline): Benign (1 of 4 stars; one submission).

Allele frequency attached by ClinVar (database versions not stated): gnomAD 0.02448 and 0.02616; 1000 Genomes Project 0.02536; 1000 Genomes Project 30x 0.02701; TOPMed 0.02721.
gnomAD v4.1: 3,690 of 152,218 alleles (2.4%); highest among the groups gnomAD compares: African/African-American, 8.3%; 150 homozygotes.

Submission:

GeneDx
Classification: Benign. Last evaluated: 2018-06-14. Review status: criteria provided, single submitter. Criteria: GeneDx Variant Classification (06012015). Collection method: clinical testing. Allele origin: germline. Affected: yes.
Comment: This variant is considered likely benign or benign based on one or more of the following criteria: it is a conservative change, it occurs at a poorly conserved position in the protein, it is predicted to be benign by multiple in silico algorithms, and/or has population frequency not consistent with disease.

NM_001042492.3(NF1):c.1393-339A>G

Gene: NF1 (neurofibromin 1; plus strand). Cytogenetic location: 17q11.2.
Variant type: single nucleotide variant.
Coding change: c.1393-339A>G on transcript NM_001042492.3 (MANE Select); 339 bases into the intron before coding-DNA position 1393, A replaced by G.
Molecular consequence: intron variant.
Genome position (GRCh38, 1-based): chr17:31,214,112, A>G. VCF-style: chr17-31214112-A-G. GRCh37 (hg19) VCF-style: chr17-29541130-A-G.
Other names: c.1393-339A>G (NM_000267.4, NM_001128147.3).
Identifiers: ClinVar variation 561780 (VCV000561780.1), dbSNP rs17883002, ClinGen allele CA289356579.
Genomic context (GRCh38, chr17:31,214,112, plus strand): 5'-GTCTGGGGAATGTTTGTTAAATAAATTACCCAGTGTGTATATTTGTGAGAACTATAGGCC[A>G]AATCTTTTTTCCCTTATGTTTTTACATTTTAGAAAATAGTTTTTTACATAGATGTTTTAC-3'